The following is an entry in ClinVar:

ClinVar aggregate classification (germline): Uncertain significance (1 of 4 stars; one submission).

Submission:

Labcorp Genetics (formerly Invitae), Labcorp
Classification: Uncertain significance. Last evaluated: 2025-01-30. Review status: criteria provided, single submitter. Criteria: Invitae Variant Classification Sherloc (09022015). Collection method: clinical testing. Allele origin: germline.
Comment: This sequence change replaces serine, which is neutral and polar, with cysteine, which is neutral and slightly polar, at codon 536 of the POLE protein (p.Ser536Cys). This variant is not present in population databases (gnomAD no frequency). This variant has not been reported in the literature in individuals affected with POLE-related conditions. ClinVar contains an entry for this variant (Variation ID: 2833381). Invitae Evidence Modeling of protein sequence and biophysical properties (such as structural, functional, and spatial information, amino acid conservation, physicochemical variation, residue mobility, and thermodynamic stability) indicates that this missense variant is expected to disrupt POLE protein function with a positive predictive value of 80%. RNA analysis performed to evaluate the impact of this missense change on mRNA splicing indicates it does not significantly alter splicing (internal data). In summary, the available evidence is currently insufficient to determine the role of this variant in disease. Therefore, it has been classified as a Variant of Uncertain Significance.

NM_006231.4(POLE):c.1607C>G (p.Ser536Cys)

Gene: POLE (DNA polymerase epsilon, catalytic subunit; minus strand). Cytogenetic location: 12q24.33.
Variant type: single nucleotide variant.
Coding change: c.1607C>G on transcript NM_006231.4 (MANE Select); coding-DNA position 1607, C replaced by G.
Protein change: p.Ser536Cys; replaces serine 536 with cysteine.
Molecular consequence: missense variant.
Genome position (GRCh38, 1-based): chr12:132,672,706, G>C on the plus strand (C>G on the coding strand, the complement: POLE is on the minus strand). VCF-style: chr12-132672706-G-C. GRCh37 (hg19) VCF-style: chr12-133249292-G-C.
Other names: short protein forms S536C.
Identifiers: ClinVar variation 2833381 (VCV002833381.3), dbSNP rs2542134750, ClinGen allele CA387356807.
Genomic context (GRCh38, chr12:132,672,706, plus strand): 5'-ATATCGCTGCGGAAAACCCCAGACTCGAGGGCCTCCACGTGGCCCCCGACGTAGGTCTCA[G>C]AGTCCAGCACGTGTCCGTCGTCCGTCAGCTTATTGAACTCCTGCTCTTGCTTGTTGGGGA-3'
Protein context (NP_006222.2, residues 526-546): KLTDDGHVLD[Ser536Cys]ETYVGGHVEA